The following is an entry in ClinVar:

ClinVar aggregate classification (germline): Uncertain significance (1 of 4 stars; one submission).

Conditions:
Joubert syndrome. Also called: CEREBELLOPARENCHYMAL DISORDER IV; JOUBERT-BOLTSHAUSER SYNDROME; Familial aplasia of the vermis. Identifiers: Orphanet 475, MedGen C5979921, MONDO:0018772.
Orofaciodigital syndrome I (OFD1). Also called: OFDS I; Papillon-Leage and Psaume Syndrome; Oral-Facial-Digital Syndrome Type I. Identifiers: Orphanet 2750, MedGen C1510460, MONDO:0010702, OMIM 311200.

Submission:

Labcorp Genetics (formerly Invitae), Labcorp
Classification: Uncertain significance for Orofaciodigital syndrome I; Joubert syndrome. Last evaluated: 2022-12-10. Review status: criteria provided, single submitter. Criteria: Invitae Variant Classification Sherloc (09022015). Collection method: clinical testing. Allele origin: germline.
Comment: This sequence change replaces methionine, which is neutral and non-polar, with leucine, which is neutral and non-polar, at codon 49 of the OFD1 protein (p.Met49Leu). This variant is not present in population databases (gnomAD no frequency). This variant has not been reported in the literature in individuals affected with OFD1-related conditions. Advanced modeling of protein sequence and biophysical properties (such as structural, functional, and spatial information, amino acid conservation, physicochemical variation, residue mobility, and thermodynamic stability) performed at Invitae indicates that this missense variant is expected to disrupt OFD1 protein function. In summary, the available evidence is currently insufficient to determine the role of this variant in disease. Therefore, it has been classified as a Variant of Uncertain Significance.

NM_003611.3(OFD1):c.145A>T (p.Met49Leu)

Gene: OFD1 (OFD1 centriole and centriolar satellite protein; plus strand). Cytogenetic location: Xp22.2.
Variant type: single nucleotide variant.
Coding change: c.145A>T on transcript NM_003611.3 (MANE Select); coding-DNA position 145, A replaced by T.
Protein change: p.Met49Leu; replaces methionine 49 with leucine.
Molecular consequence: missense variant. On other transcripts: 5 prime UTR variant (1).
Genome position (GRCh38, 1-based): chrX:13,736,511, A>T. VCF-style: chrX-13736511-A-T. GRCh37 (hg19) VCF-style: chrX-13754630-A-T.
Other names: c.145A>T, p.Met49Leu (NM_001330209.2); c.-401A>T (NM_001330210.2); short protein forms M49L.
Identifiers: ClinVar variation 2942200 (VCV002942200.3), dbSNP rs2518758091, ClinGen allele CA412333093.
Genomic context (GRCh38, chrX:13,736,511, plus strand): 5'-TTTATTTTTGTTTTTATTTTATGCTAGACACAACTTCGAAACCAGCTAATTCATGAGTTG[A>T]TGCACCCTGTATTGAGTGGAGAACTGCAGCCTCGGTCCATTTCAGTAGAAGGGAGCTCCC-3'
Protein context (NP_003602.1, residues 39-59): QLRNQLIHEL[Met49Leu]HPVLSGELQP